The following is an entry in ClinVar:

ClinVar aggregate classification (germline): Uncertain significance (1 of 4 stars; one submission).

Allele frequency attached by ClinVar (database versions not stated): gnomAD 0.00001.
gnomAD v4.1: 34 of 1,613,582 alleles (0.0021%); highest among the groups gnomAD compares: Admixed American, 0.012%; no homozygotes.

Submission:

Women's Health and Genetics/Laboratory Corporation of America, LabCorp
Classification: Uncertain significance. Last evaluated: 2024-02-27. Review status: criteria provided, single submitter. Criteria: LabCorp Variant Classification Summary - May 2015. Collection method: clinical testing. Allele origin: germline.
Comment: Variant summary: TIAM1 c.2707G>A (p.Ala903Thr) results in a non-conservative amino acid change located in the PDZ domain (IPR001478) of the encoded protein sequence. Three of five in-silico tools predict a damaging effect of the variant on protein function. The variant allele was found at a frequency of 1.2e-05 in 250642 control chromosomes. The available data on variant occurrences in the general population are insufficient to allow any conclusion about variant significance. To our knowledge, no occurrence of c.2707G>A in individuals affected with Neurodevelopmental Disorder With Language Delay And Seizures and no experimental evidence demonstrating its impact on protein function have been reported. No submitters have cited clinical-significance assessments for this variant to ClinVar. Based on the evidence outlined above, the variant was classified as uncertain significance.

NM_001353694.2(TIAM1):c.2707G>A (p.Ala903Thr)

Gene: TIAM1 (TIAM Rac1 associated GEF 1; minus strand). Cytogenetic location: 21q22.11.
Variant type: single nucleotide variant.
Coding change: c.2707G>A on transcript NM_001353694.2 (MANE Select); coding-DNA position 2707, G replaced by A.
Protein change: p.Ala903Thr; replaces alanine 903 with threonine.
Molecular consequence: missense variant.
Genome position (GRCh38, 1-based): chr21:31,182,601, C>T on the plus strand (G>A on the coding strand, the complement: TIAM1 is on the minus strand). VCF-style: chr21-31182601-C-T. GRCh37 (hg19) VCF-style: chr21-32554918-C-T.
Other names: c.2707G>A, p.Ala903Thr (NM_001353686.2, NM_001353688.1, NM_001353689.1 and 5 more transcripts); c.2632G>A, p.Ala878Thr (NM_001353687.2); short protein forms A878T, A903T.
Identifiers: ClinVar variation 3069006 (VCV003069006.2), dbSNP rs757470504, ClinGen allele CA410049216.